The following is an entry in ClinVar:

NM_001104631.2(PDE4D):c.-58G>T

Gene: PDE4D (phosphodiesterase 4D; minus strand). Cytogenetic location: 5q12.1.
Variant type: single nucleotide variant.
Coding change: c.-58G>T on transcript NM_001104631.2 (MANE Select); 58 bases upstream of the start codon, G replaced by T.
Molecular consequence: 5 prime UTR variant. On other transcripts: intron variant (5).
Genome position (GRCh38, 1-based): chr5:59,893,680, C>A on the plus strand (G>T on the coding strand, the complement: PDE4D is on the minus strand). VCF-style: chr5-59893680-C-A. GRCh37 (hg19) VCF-style: chr5-59189507-C-A.
Other names: c.272+94808G>T (NM_001364599.1, NM_001165899.2, NM_001364600.2); c.-240+94808G>T (NM_001349243.2); c.242+94808G>T (NM_001349241.2).
Identifiers: ClinVar variation 905103 (VCV000905103.4), dbSNP rs561124800, ClinGen allele CA119327265.

ClinVar aggregate classification (germline): Benign (1 of 4 stars; one submission).

Conditions:
Acrodysostosis 2 with or without hormone resistance. Also called: ACRODYSOSTOSIS 2 WITH HORMONE RESISTANCE; ACRODYSOSTOSIS 2 WITHOUT HORMONE RESISTANCE. Identifiers: Orphanet 280651, MedGen C3553250, MONDO:0013822, OMIM 614613.

Allele frequency attached by ClinVar (database versions not stated): 1000 Genomes Project 0.00140; gnomAD 0.00176 and 0.00188; TOPMed 0.00186; 1000 Genomes Project 30x 0.00187.
gnomAD v4.1: 456 of 1,401,336 alleles (0.033%); highest among the groups gnomAD compares: African/African-American, 0.58%; 3 homozygotes.

Submission:

Illumina Laboratory Services, Illumina
Classification: Benign for Acrodysostosis 2 with or without hormone resistance. Last evaluated: 2018-01-13. Review status: criteria provided, single submitter. Criteria: ICSL Variant Classification Criteria 13 December 2019. Collection method: clinical testing. Allele origin: germline.
Comment: This variant was observed in the ICSL laboratory as part of a predisposition screen in an ostensibly healthy population. It had not been previously curated by ICSL or reported in the Human Gene Mutation Database (HGMD: prior to June 1st, 2018), and was therefore a candidate for classification through an automated scoring system. Utilizing variant allele frequency, disease prevalence and penetrance estimates, and inheritance mode, an automated score was calculated to assess if this variant is too frequent to cause the disease. Based on the score and internal cut-off values, a variant classified as benign is not then subjected to further curation. The score for this variant resulted in a classification of benign for this disease.